The following is an entry in ClinVar:

NM_001378454.1(ALMS1):c.9620A>G (p.Glu3207Gly)

Gene: ALMS1 (ALMS1 centrosome and basal body associated protein; plus strand). Cytogenetic location: 2p13.1.
Variant type: single nucleotide variant.
Coding change: c.9620A>G on transcript NM_001378454.1 (MANE Select); coding-DNA position 9620, A replaced by G.
Protein change: p.Glu3207Gly; replaces glutamic acid 3207 with glycine.
Molecular consequence: missense variant.
Genome position (GRCh38, 1-based): chr2:73,519,855, A>G. VCF-style: chr2-73519855-A-G. GRCh37 (hg19) VCF-style: chr2-73746982-A-G.
Other names: c.9623A>G, p.Glu3208Gly (NM_015120.4); short protein forms E3207G, E3208G.
Identifiers: ClinVar variation 3527409 (VCV003527409.1).
Genomic context (GRCh38, chr2:73,519,855, plus strand): 5'-CCCCACTTTCTGCTTTCTCTGAAAAATTGTCATCTGATGCAGTCACTCAGATAACAACAG[A>G]AAGTCCAGAAAAGACCCTATTTTCATCTGAGATTTTTATTAATGCTGAAGATCGTGGACA-3'
Protein context (NP_001365383.1, residues 3197-3217): SSDAVTQITT[Glu3207Gly]SPEKTLFSSE

ClinVar aggregate classification (germline): Uncertain significance (1 of 4 stars; one submission).

Conditions:
Cardiovascular phenotype. Identifiers: MedGen CN230736.

gnomAD v4.1: 6 of 1,614,102 alleles (0.00037%); highest among the groups gnomAD compares: Non-Finnish European, 0.00051%; no homozygotes.

Submission:

Ambry Genetics
Classification: Uncertain significance for Cardiovascular phenotype. Last evaluated: 2024-11-22. Review status: criteria provided, single submitter. Criteria: Ambry Variant Classification Scheme 2023. Collection method: clinical testing. Allele origin: germline.
Comment: The p.E3208G variant (also known as c.9623A>G), located in coding exon 11 of the ALMS1 gene, results from an A to G substitution at nucleotide position 9623. The glutamic acid at codon 3208 is replaced by glycine, an amino acid with similar properties. This amino acid position is highly conserved in available vertebrate species. In addition, this alteration is predicted to be deleterious by in silico analysis. Based on the available evidence, the clinical significance of this variant remains unclear.